The following is an entry in ClinVar:

ClinVar aggregate classification (germline): Likely benign (1 of 4 stars; one submission).

Conditions:
Malignant hyperthermia, susceptibility to, 1 (MHS1). Also called: Anesthesia related hyperthermia; Malignant hyperpyrexia; Fulminating hyperpyrexia; Pharmacogenic myopathy; RYR1-Related Malignant Hyperthermia Susceptibility; Malignant hyperthermia suceptibility 1. Identifiers: Orphanet 423, MedGen C2930980, MONDO:0007783, OMIM 145600.

Allele frequency attached by ClinVar (database versions not stated): TOPMed below 0.00001.
gnomAD v4.1: 2 of 1,614,050 alleles (0.00012%); highest among the groups gnomAD compares: East Asian, 0.0022%; no homozygotes.

Submission:

All of Us Research Program, National Institutes of Health
Classification: Likely benign for Malignant hyperthermia, susceptibility to, 1. Last evaluated: 2023-05-15. Review status: criteria provided, single submitter. Criteria: ACMG Guidelines, 2015. Collection method: clinical testing. Allele origin: germline. Inheritance: Autosomal dominant inheritance. Observed: 1 variant allele, 1 heterozygote.
Comment: This study involves interpretation of variants in research participants for the purpose of population health screening. Participant phenotype was not available at the time of variant classification. Additional details can be found in publication PMID: 35346344, PMCID: PMC8962531

NM_000540.3(RYR1):c.6546C>A (p.Ile2182=)

Gene: RYR1 (ryanodine receptor 1; plus strand). Cytogenetic location: 19q13.2.
Variant type: single nucleotide variant.
Coding change: c.6546C>A on transcript NM_000540.3 (MANE Select); coding-DNA position 6546, C replaced by A.
Protein change: p.Ile2182=; no amino-acid change (isoleucine 2182 retained).
Molecular consequence: synonymous variant.
Genome position (GRCh38, 1-based): chr19:38,494,623, C>A. VCF-style: chr19-38494623-C-A. GRCh37 (hg19) VCF-style: chr19-38985263-C-A.
Other names: c.6546C>A, p.Ile2182= (NM_001042723.2).
Identifiers: ClinVar variation 3070956 (VCV003070956.1), dbSNP rs768963605, ClinGen allele CA507242484.